The following is an entry in ClinVar:

ClinVar aggregate classification (germline): Uncertain significance (1 of 4 stars; one submission).

Conditions:
X-linked Emery-Dreifuss muscular dystrophy. Also called: Muscular dystrophy, tardive Emery-Dreifuss type, with contractures. Identifiers: Orphanet 261, Orphanet 98863, MedGen C0751337, MONDO:0010680.

Allele frequency attached by ClinVar (database versions not stated): gnomAD 0.00002 and 0.00003.

Submission:

Labcorp Genetics (formerly Invitae), Labcorp
Classification: Uncertain significance for X-linked Emery-Dreifuss muscular dystrophy. Last evaluated: 2025-02-27. Review status: criteria provided, single submitter. Criteria: Invitae Variant Classification Sherloc (09022015). Collection method: clinical testing. Allele origin: germline.
Comment: This sequence change replaces valine, which is neutral and non-polar, with methionine, which is neutral and non-polar, at codon 121 of the EMD protein (p.Val121Met). This variant is not present in population databases (gnomAD no frequency). This variant has not been reported in the literature in individuals affected with EMD-related conditions. ClinVar contains an entry for this variant (Variation ID: 846595). Invitae Evidence Modeling of protein sequence and biophysical properties (such as structural, functional, and spatial information, amino acid conservation, physicochemical variation, residue mobility, and thermodynamic stability) indicates that this missense variant is not expected to disrupt EMD protein function with a negative predictive value of 80%. In summary, the available evidence is currently insufficient to determine the role of this variant in disease. Therefore, it has been classified as a Variant of Uncertain Significance.

NM_000117.3(EMD):c.361G>A (p.Val121Met)

Gene: EMD (emerin; plus strand). Cytogenetic location: Xq28.
Variant type: single nucleotide variant.
Coding change: c.361G>A on transcript NM_000117.3 (MANE Select); coding-DNA position 361, G replaced by A.
Protein change: p.Val121Met; replaces valine 121 with methionine.
Molecular consequence: missense variant.
Genome position (GRCh38, 1-based): chrX:154,380,329, G>A. VCF-style: chrX-154380329-G-A. GRCh37 (hg19) VCF-style: chrX-153608689-G-A.
Other names: short protein forms V121M.
Identifiers: ClinVar variation 846595 (VCV000846595.10), dbSNP rs2067880161, ClinGen allele CA415257987.